The following is an entry in ClinVar:

ClinVar aggregate classification (germline): Pathogenic (1 of 4 stars; one submission).

Submission:

Quest Diagnostics Nichols Institute San Juan Capistrano
Classification: Pathogenic. Last evaluated: 2022-08-09. Review status: criteria provided, single submitter. Criteria: ACMG/ClinGen CNV Guidelines, 2019. Collection method: clinical testing. Allele origin: unknown.
Comment: The copy number loss of 9p24.1p22.3 involves multiple protein-coding genes, including NFIB (OMIM 600728) and FREM1 (OMIM 608944). Haploinsufficiency of NFIB is associated with autosomal dominant acquired macrocephaly with impaired intellectual development (MACID; OMIM 618286, Barrus 2020, Rao 2020, Schanze 2018, Sajan 2013). Furthermore, the current deletion lies within the larger 9p deletion syndrome interval and falls within proposed critical regions for this syndrome reported in multiple studies (Christ 1999, Hauge 2008, Kawara 2006, Swinkels 2008, OMIM 158170). There are no similar copy number losses of this region in the general populations of the Database of Genomic Variants. Thus, this copy number variant (CNV) is classified as pathogenic. References: Barrus et al., Am J Med Genet A. 2020 Dec;182(12):2959-2963. PMID: 32902921 Christ et al., Am J Hum Genet. 1999 Nov;65(5):1387-95. PMID: 10521304 Hauge et al., Genet Med. 2008 Aug;10(8):599-611. PMID: 18641517 Kawara et al., Am J Med Genet A. 2006 Feb 15;140(4):373-7. PMID: 16419130 Rao et al., Eur J Med Genet. 2020 Dec;63(12):104092. PMID: 33130023 Sajan et al., PLoS Genet. 2013;9(10):e1003823. PMID: 24098143 Schanze et al., Am J Hum Genet. 2018 Nov 1;103(5):752-768. PMID: 30388402 Swinkels et al., Am J Med Genet A. 2008 Jun 1;146A(11):1430-8. PMID: 18452192 Vissers et al., PLoS Genet. 2011 Sep;7(9):e1002278. PMID: 21931569

GRCh37/hg19 9p24.1-22.3(chr9:8595338-15622555)x1

Genes: CCDC171 (coiled-coil domain containing 171; plus strand), CER1 (cerberus 1, DAN family BMP antagonist; minus strand), FREM1 (FRAS1 related extracellular matrix 1; minus strand), LURAP1L (leucine rich adaptor protein 1 like; plus strand), MPDZ (multiple PDZ domain crumbs cell polarity complex component; minus strand) and 7 more. Cytogenetic location: 9p24.1-22.3.
Variant type: copy number loss.
Change: copy number 1 (one copy instead of two) of chr9:8,595,338-15,622,555 (7.03 Mb, GRCh37 coordinates, 1-based), cytogenetic band 9p24.1-22.3.
Identifiers: ClinVar variation 2685337 (VCV002685337.1).